The following is an entry in ClinVar:

NM_001844.5(COL2A1):c.1025G>T (p.Gly342Val)

Gene: COL2A1 (collagen type II alpha 1 chain; minus strand). Cytogenetic location: 12q13.11.
Variant type: single nucleotide variant.
Coding change: c.1025G>T on transcript NM_001844.5 (MANE Select); coding-DNA position 1025, G replaced by T.
Protein change: p.Gly342Val; replaces glycine 342 with valine.
Molecular consequence: missense variant.
Genome position (GRCh38, 1-based): chr12:47,989,804, C>A on the plus strand (G>T on the coding strand, the complement: COL2A1 is on the minus strand). VCF-style: chr12-47989804-C-A. GRCh37 (hg19) VCF-style: chr12-48383587-C-A.
Other names: c.818G>T, p.Gly273Val (NM_033150.3); short protein forms G273V, G342V.
Identifiers: ClinVar variation 2428739 (VCV002428739.3), dbSNP rs2540159066, ClinGen allele CA384555495.

ClinVar aggregate classification (germline): Likely pathogenic (1 of 4 stars; one submission).

Submission:

ARUP Laboratories, Molecular Genetics and Genomics, ARUP Laboratories
Classification: Likely pathogenic. Last evaluated: 2022-03-10. Review status: criteria provided, single submitter. Criteria: ARUP Molecular Germline Variant Investigation Process 2021. Collection method: clinical testing. Allele origin: germline.
Comment: The COL2A1 c.1025G>T; p.Gly342Val variant, to our knowledge, is not reported in the medical literature or gene specific databases. This variant is also absent from the Genome Aggregation Database, indicating it is not a common polymorphism. The glycine at codon 342 is highly conserved, and computational analyses predict that this variant is deleterious (REVEL: 0.953). Additionally, this variant disrupts the repeating Gly-X-Y sequence motif of the collagen triple helix and is predicted to impair collagen function (Barat-Houari 2016) and glycine substitutions in this region have been described in individuals with COL2A1-related disorders (Terhal 2012). Based on available information, this variant is considered to be likely pathogenic. References: Barat-Houari M et al. Mutation Update for COL2A1 Gene Variants Associated with Type II Collagenopathies. Hum Mutat. 2016 Jan;37(1):7-15. PMID: 26443184. Terhal PA et al. Mutation-based growth charts for SEDC and other COL2A1 related dysplasias. Am J Med Genet C Semin Med Genet. 2012 Aug 15;160C(3):205-16. PMID: 22791362.